The following continues an entry in ClinVar:

NM_000179.3(MSH6):c.3758T>C (p.Val1253Ala)

Gene: MSH6. ClinVar aggregate classification (germline): Conflicting classifications of pathogenicity. Uncertain significance (11); Likely benign (2).

Submissions 10 to 16 of 16:

Quest Diagnostics Nichols Institute San Juan Capistrano
Classification: Uncertain significance. Last evaluated: 2024-04-28. Review status: criteria provided, single submitter. Criteria: Quest Diagnostics criteria. Collection method: clinical testing. Allele origin: unknown.
Comment: The MSH6 c.3758T>C (p.Val1253Ala) variant has been reported in the published literature in individuals with hereditary breast and ovarian cancer (PMID: 29360161 (2018)), breast cancer (PMID: 35534704 (2022), 33471991 (2021), see also LOVD), colorectal cancer (PMID: 25559809 (2015), 34250417 (2021)), and in reportedly healthy individuals (PMIDs: 24728327 (2014), 33471991 (2021), see also LOVD). The frequency of this variant in the general population, 0.000039 (5/128956 chromosomes (Genome Aggregation Database)), is uninformative in the assessment of its pathogenicity. Analysis of this variant using bioinformatics tools for the prediction of the effect of amino acid changes on protein structure and function yielded predictions that this variant is damaging. Based on the available information, we are unable to determine the clinical significance of this variant.

Baylor Genetics
Classification: Uncertain significance for Endometrial carcinoma. Last evaluated: 2024-01-31. Review status: criteria provided, single submitter. Criteria: ACMG Guidelines, 2015. Collection method: clinical testing. Allele origin: unknown.

AiLife Diagnostics
Classification: Uncertain significance. Last evaluated: 2021-12-02. Review status: criteria provided, single submitter. Criteria: ACMG Guidelines, 2015. Collection method: clinical testing. Allele origin: germline. Affected: yes. Observed: 1 variant allele.

Mayo Clinic Laboratories, Mayo Clinic
Classification: Uncertain significance. Last evaluated: 2019-05-28. Review status: criteria provided, single submitter. Criteria: ACMG Guidelines, 2015. Collection method: clinical testing. Allele origin: germline. Observed: 1 variant allele.

True Health Diagnostics
Classification: Uncertain significance for Hereditary cancer-predisposing syndrome. Last evaluated: 2018-01-12. Review status: no assertion criteria provided. Collection method: clinical testing. Allele origin: germline. Not counted in ClinVar's aggregate classification.

Counsyl
Classification: Uncertain significance for Lynch syndrome 5. Last evaluated: 2016-08-22. Review status: no assertion criteria provided. Collection method: clinical testing. Allele origin: unknown. Not counted in ClinVar's aggregate classification.

ITMI
No classification provided. Condition: AllHighlyPenetrant. Last evaluated: 2013-09-19. Review status: no classification provided. Collection method: reference population. Allele origin: germline. Not counted in ClinVar's aggregate classification.
Comment: Please see associated publication for description of ethnicities

Literature cited by the submitters: PubMed 27363726 (cited by Myriad Genetics, Inc.); PubMed 25980754 (cited by 6 submitters); PubMed 25559809 (cited by 6 submitters); PubMed 29360161 (cited by 5 submitters); PubMed 34250417 (cited by Women's Health and Genetics/Laboratory Corporation of America, LabCorp and Quest Diagnostics Nichols Institute San Juan Capistrano); PubMed 35534704 (cited by Women's Health and Genetics/Laboratory Corporation of America, LabCorp and Quest Diagnostics Nichols Institute San Juan Capistrano); PubMed 24728327 (cited by 4 submitters); PubMed 33471991 (cited by Quest Diagnostics Nichols Institute San Juan Capistrano).